The following is an entry in ClinVar:

NM_002485.5(NBN):c.936G>C (p.Leu312Phe)

Gene: NBN (nibrin; minus strand). Cytogenetic location: 8q21.3.
Variant type: single nucleotide variant.
Coding change: c.936G>C on transcript NM_002485.5 (MANE Select); coding-DNA position 936, G replaced by C.
Protein change: p.Leu312Phe; replaces leucine 312 with phenylalanine.
Molecular consequence: missense variant.
Genome position (GRCh38, 1-based): chr8:89,964,468, C>G on the plus strand (G>C on the coding strand, the complement: NBN is on the minus strand). VCF-style: chr8-89964468-C-G. GRCh37 (hg19) VCF-style: chr8-90976696-C-G.
Other names: c.690G>C, p.Leu230Phe (NM_001024688.3); short protein forms L312F, L230F.
Identifiers: ClinVar variation 233006 (VCV000233006.11), dbSNP rs148517156, ClinGen allele CA10578784.

ClinVar aggregate classification (germline): Uncertain significance. Review status: criteria provided, multiple submitters, no conflicts (2 of 4 stars). 2 submissions from 2 submitters: Uncertain significance (2). Last evaluated 2021-11-07.

Conditions:
Hereditary cancer-predisposing syndrome. Also called: Hereditary Cancer Syndrome; Neoplastic Syndromes, Hereditary; Tumor predisposition; Hereditary neoplastic syndrome. Identifiers: Orphanet 140162, MedGen C0027672, MeSH D009386, MONDO:0015356.
Microcephaly, normal intelligence and immunodeficiency (NBS). Also called: BERLIN BREAKAGE SYNDROME; Ataxia telangiectasia variant V1; IMMUNODEFICIENCY, MICROCEPHALY, AND CHROMOSOMAL INSTABILITY; SEEMANOVA SYNDROME II; Nijmegen breakage syndrome; Microcephaly with normal intelligence immunodeficiency and lymphoreticular malignancies. Identifiers: Orphanet 647, MedGen C0398791, MONDO:0009623, OMIM 251260.

Submissions (2):

Genome-Nilou Lab
Classification: Uncertain significance for Microcephaly, normal intelligence and immunodeficiency. Last evaluated: 2021-11-07. Review status: criteria provided, single submitter. Criteria: ACMG Guidelines, 2015. Collection method: clinical testing. Allele origin: germline. Affected: no.

Ambry Genetics
Classification: Uncertain significance for Hereditary cancer-predisposing syndrome. Last evaluated: 2015-07-09. Review status: criteria provided, single submitter. Criteria: Ambry Variant Classification Scheme 2023. Collection method: clinical testing. Allele origin: germline.
Comment: The p.L312F variant (also known as c.936G>C), located in coding exon 8 of the NBN gene, results from a G to C substitution at nucleotide position 936. The leucine at codon 312 is replaced by phenylalanine, an amino acid with highly similar properties. This variant was not reported in population based cohorts in the following databases: Database of Single Nucleotide Polymorphisms (dbSNP), NHLBI Exome Sequencing Project (ESP), and 1000 Genomes Project. In the ESP, this variant was not observed in 6503 samples (13006 alleles) with coverage at this position. To date, this alteration has been detected with an allele frequency of approximately 0.002% (greater than 65000 alleles tested) in our clinical cohort. This amino acid position is highly conserved in available vertebrate species. In addition, the in silico prediction for this alteration is inconclusive. Since supporting evidence is limited at this time, the clinical significance of p.L312F remains unclear.